The following is an entry in ClinVar:

ClinVar aggregate classification (germline): Uncertain significance (1 of 4 stars; one submission).

Conditions:
Hereditary nonpolyposis colorectal neoplasms. Identifiers: MedGen C0009405, MeSH D003123.

Submission:

Labcorp Genetics (formerly Invitae), Labcorp
Classification: Uncertain significance for Hereditary nonpolyposis colorectal neoplasms. Last evaluated: 2017-10-01. Review status: criteria provided, single submitter. Criteria: Invitae Variant Classification Sherloc (09022015). Collection method: clinical testing. Allele origin: germline.
Comment: This variant is not present in population databases (ExAC no frequency). This sequence change replaces glutamine with leucine at codon 731 of the MSH6 protein (p.Gln731Leu). The glutamine residue is moderately conserved and there is a moderate physicochemical difference between glutamine and leucine. This variant has not been reported in the literature in individuals with MSH6-related disease. Algorithms developed to predict the effect of missense changes on protein structure and function do not agree on the potential impact of this missense change (SIFT: "Deleterious"; PolyPhen-2: "Benign"; Align-GVGD: "Class C15"). In summary, the available evidence is currently insufficient to determine the role of this variant in disease. Therefore, it has been classified as a Variant of Uncertain Significance.

NM_000179.3(MSH6):c.2192A>T (p.Gln731Leu)

Gene: MSH6 (mutS homolog 6; plus strand). Cytogenetic location: 2p16.3.
Variant type: single nucleotide variant.
Coding change: c.2192A>T on transcript NM_000179.3 (MANE Select); coding-DNA position 2192, A replaced by T.
Protein change: p.Gln731Leu; replaces glutamine 731 with leucine.
Molecular consequence: missense variant.
Genome position (GRCh38, 1-based): chr2:47,800,175, A>T. VCF-style: chr2-47800175-A-T. GRCh37 (hg19) VCF-style: chr2-48027314-A-T.
Other names: c.1802A>T, p.Gln601Leu (NM_001281492.2); c.1286A>T, p.Gln429Leu (NM_001281493.2, NM_001281494.2); short protein forms Q731L, Q601L, Q429L.
Identifiers: ClinVar variation 525641 (VCV000525641.9), dbSNP rs1553413559, ClinGen allele CA346751300.
Genomic context (GRCh38, chr2:47,800,175, plus strand): 5'-CCTTGGATTCTGACACAGTCAGCACTACAAGATCTGGTGCTATCTTCACCAAAGCCTATC[A>T]ACGAATGGTGCTAGATGCAGTGACATTAAACAACTTGGAGATTTTTCTGAATGGAACAAA-3'
Protein context (NP_000170.1, residues 721-741): RSGAIFTKAY[Gln731Leu]RMVLDAVTLN